The following is an entry in ClinVar:

ClinVar aggregate classification (germline): Pathogenic (1 of 4 stars; one submission).

Conditions:
Ataxia-telangiectasia syndrome (AT). Also called: Ataxia telangiectasia (A-T); Cerebello-oculocutaneous telangiectasia; Immunodeficiency with ataxia telangiectasia; LOUIS-BAR SYNDROME; AT, COMPLEMENTATION GROUP C; ATAXIA-TELANGIECTASIA, FRESNO VARIANT. Identifiers: Orphanet 100, MedGen C0004135, MONDO:0008840, OMIM 208900.

Submission:

Labcorp Genetics (formerly Invitae), Labcorp
Classification: Pathogenic for Ataxia-telangiectasia syndrome. Last evaluated: 2015-11-05. Review status: criteria provided, single submitter. Criteria: Invitae Variant Classification Sherloc (09022015). Collection method: clinical testing. Allele origin: germline.
Comment: For these reasons, this variant has been classified as Pathogenic. While this particular variant has not been reported in the literature, truncating variants in ATM are known to be pathogenic (PMID: 10817650, 19781682). This sequence change deletes 1 nucleotide from exon 44 of the ATM mRNA (c.6373delC), causing a frameshift at codon 2125. This creates a premature translational stop signal (p.His2125Metfs*11) and is expected to result in an absent or disrupted protein product.

Literature cited by the submitters: PubMed 10817650; PubMed 19781682.

NM_000051.4(ATM):c.6373del (p.His2125fs)

Genes: C11orf65 (chromosome 11 open reading frame 65; minus strand), ATM (ATM serine/threonine kinase; plus strand). Cytogenetic location: 11q22.3.
Variant type: Deletion.
Coding change: c.6373del on transcript NM_000051.4 (MANE Select); coding-DNA position 6373, one base deleted (C; older notation c.6373delC).
Protein change: p.His2125fs; shifts the reading frame from histidine 2125.
Molecular consequence: frameshift variant. On other transcripts: intron variant (2).
Genome position (GRCh38, 1-based): chr11:108,319,979, C deleted; the last of 2 consecutive C bases (chr11:108,319,978-108,319,979); deleting either gives the same sequence. VCF-style (leftmost placement, unchanged base first): chr11-108319977-AC-A. GRCh37 (hg19) VCF-style: chr11-108190704-AC-A.
Other names: c.6373del, p.His2125fs (NM_001351834.2); c.641-10907del (NM_001330368.2); c.*39-10907del (NM_001351110.2); short protein forms H2125fs.
Identifiers: ClinVar variation 236750 (VCV000236750.8), dbSNP rs878853530, ClinGen allele CA10582838.